The following is an entry in ClinVar:

ClinVar aggregate classification (germline): Uncertain significance (1 of 4 stars; one submission).

Conditions:
Episodic ataxia type 2 (EA2). Also called: ATAXIA, EPISODIC, WITH NYSTAGMUS; ATAXIA, FAMILIAL PAROXYSMAL; CEREBELLAR ATAXIA, PAROXYSMAL, ACETAZOLAMIDE-RESPONSIVE; CEREBELLOPATHY, HEREDITARY PAROXYSMAL; EPISODIC ATAXIA, NYSTAGMUS-ASSOCIATED; ACETAZOLAMIDE-RESPONSIVE HEREDITARY PAROXYSMAL CEREBELLAR ATAXIA. Identifiers: Orphanet 97, MedGen C1720416, MONDO:0007163, OMIM 108500.
Developmental and epileptic encephalopathy, 42 (DEE42A). Also called: Epileptic encephalopathy, early infantile, 42; DEVELOPMENTAL AND EPILEPTIC ENCEPHALOPATHY 42A; EPILEPTIC ENCEPHALOPATHY, EARLY INFANTILE, 42A. Identifiers: MedGen C4310716, MONDO:0014917, OMIM 617106.

Submission:

Labcorp Genetics (formerly Invitae), Labcorp
Classification: Uncertain significance for Developmental and epileptic encephalopathy, 42; Episodic ataxia type 2. Last evaluated: 2022-02-28. Review status: criteria provided, single submitter. Criteria: Invitae Variant Classification Sherloc (09022015). Collection method: clinical testing. Allele origin: germline.
Comment: In summary, the available evidence is currently insufficient to determine the role of this variant in disease. Therefore, it has been classified as a Variant of Uncertain Significance. Advanced modeling of protein sequence and biophysical properties (such as structural, functional, and spatial information, amino acid conservation, physicochemical variation, residue mobility, and thermodynamic stability) performed at Invitae indicates that this missense variant is expected to disrupt CACNA1A protein function. This variant has not been reported in the literature in individuals affected with CACNA1A-related conditions. This variant is not present in population databases (gnomAD no frequency). This sequence change replaces lysine, which is basic and polar, with threonine, which is neutral and polar, at codon 1355 of the CACNA1A protein (p.Lys1355Thr).

NM_001127222.2(CACNA1A):c.4061A>C (p.Lys1354Thr)

Gene: CACNA1A (calcium voltage-gated channel subunit alpha1 A; minus strand). Cytogenetic location: 19p13.13.
Variant type: single nucleotide variant.
Coding change: c.4061A>C on transcript NM_001127222.2 (MANE Select); coding-DNA position 4061, A replaced by C.
Protein change: p.Lys1354Thr; replaces lysine 1354 with threonine.
Molecular consequence: missense variant.
Genome position (GRCh38, 1-based): chr19:13,262,762, T>G on the plus strand (A>C on the coding strand, the complement: CACNA1A is on the minus strand). VCF-style: chr19-13262762-T-G. GRCh37 (hg19) VCF-style: chr19-13373576-T-G.
Other names: c.4073A>C, p.Lys1358Thr (NM_000068.4, NM_023035.3); c.4064A>C, p.Lys1355Thr (NM_001127221.2, NM_001174080.2); short protein forms K1354T, K1358T, K1355T.
Identifiers: ClinVar variation 2091232 (VCV002091232.4), dbSNP rs2512763568, ClinGen allele CA404339969.
Genomic context (GRCh38, chr19:13,262,762, plus strand): 5'-CCCCACCGCACCCCACCATCTCCCAATCTCACCTTGAGCTTTGGCAGCCGCTTGATGGTT[T>G]TAAGAGGTCGTAGCACCCGGAGGACTCGGAGGGATTTAATCGTGTTGATGTCTTTTCCTT-3'
Protein context (NP_001120694.1, residues 1344-1364): LRVLRVLRPL[Lys1354Thr]TIKRLPKLKA